The following is an entry in ClinVar:

ClinVar aggregate classification (germline): Uncertain significance (1 of 4 stars; one submission).

Submission:

Labcorp Genetics (formerly Invitae), Labcorp
Classification: Uncertain significance. Last evaluated: 2022-07-15. Review status: criteria provided, single submitter. Criteria: Invitae Variant Classification Sherloc (09022015). Collection method: clinical testing. Allele origin: germline.
Comment: In summary, the available evidence is currently insufficient to determine the role of this variant in disease. Therefore, it has been classified as a Variant of Uncertain Significance. Variants that disrupt the consensus splice site are a relatively common cause of aberrant splicing (PMID: 17576681, 9536098). Algorithms developed to predict the effect of sequence changes on RNA splicing suggest that this variant may disrupt the consensus splice site. This variant has not been reported in the literature in individuals affected with BMP2-related conditions. This variant is not present in population databases (gnomAD no frequency). This sequence change falls in intron 2 of the BMP2 gene. It does not directly change the encoded amino acid sequence of the BMP2 protein. It affects a nucleotide within the consensus splice site.

Literature cited by the submitters: PubMed 17576681; PubMed 9536098.

NM_001200.4(BMP2):c.346+4A>G

Gene: BMP2 (bone morphogenetic protein 2; plus strand). Cytogenetic location: 20p12.3.
Variant type: single nucleotide variant.
Coding change: c.346+4A>G on transcript NM_001200.4 (MANE Select); 4 bases into the intron after coding-DNA position 346, A replaced by G.
Molecular consequence: intron variant.
Genome position (GRCh38, 1-based): chr20:6,770,476, A>G. VCF-style: chr20-6770476-A-G. GRCh37 (hg19) VCF-style: chr20-6751123-A-G.
Identifiers: ClinVar variation 2004818 (VCV002004818.4), dbSNP rs2514530716, ClinGen allele CA2580098020.